The following is an entry in ClinVar:

NM_003193.5(TBCE):c.841C>T (p.Gln281Ter)

Gene: TBCE (tubulin folding cofactor E; plus strand). Cytogenetic location: 1q42.3.
Variant type: single nucleotide variant.
Coding change: c.841C>T on transcript NM_003193.5 (MANE Select); coding-DNA position 841, C replaced by T.
Protein change: p.Gln281Ter; replaces glutamine 281 with a stop codon.
Molecular consequence: nonsense.
Genome position (GRCh38, 1-based): chr1:235,436,393, C>T. VCF-style: chr1-235436393-C-T. GRCh37 (hg19) VCF-style: chr1-235599708-C-T.
Other names: c.841C>T, p.Gln281Ter (NM_001079515.3); c.994C>T, p.Gln332Ter (NM_001287801.2); c.502C>T, p.Gln168Ter (NM_001287802.2); short protein forms Q281*, Q168*, Q332*.
Identifiers: ClinVar variation 591464 (VCV000591464.4), dbSNP rs752790319, ClinGen allele CA344939542.

ClinVar aggregate classification (germline): Pathogenic. Review status: criteria provided, single submitter (1 of 4 stars). 2 submissions from 2 submitters: Pathogenic (1). 1 of the submissions does not count toward it. Last evaluated 2023-07-29.

Allele frequency attached by ClinVar (database versions not stated): TOPMed below 0.00001.

Submissions (2):

Labcorp Genetics (formerly Invitae), Labcorp
Classification: Pathogenic. Last evaluated: 2023-07-29. Review status: criteria provided, single submitter. Criteria: Invitae Variant Classification Sherloc (09022015). Collection method: clinical testing. Allele origin: germline.
Comment: For these reasons, this variant has been classified as Pathogenic. Algorithms developed to predict the effect of sequence changes on RNA splicing suggest that this variant may disrupt the consensus splice site. ClinVar contains an entry for this variant (Variation ID: 591464). This variant has not been reported in the literature in individuals affected with TBCE-related conditions. This variant is not present in population databases (gnomAD no frequency). This sequence change creates a premature translational stop signal (p.Gln281*) in the TBCE gene. It is expected to result in an absent or disrupted protein product. Loss-of-function variants in TBCE are known to be pathogenic (PMID: 27666369, 34134906, 34356170).

Gharavi Laboratory, Columbia University
Classification: Uncertain significance. Last evaluated: 2018-09-16. Review status: no assertion criteria provided. Criteria: ACMG Guidelines, 2015. Collection method: research. Allele origin: germline. Affected: yes. Not counted in ClinVar's aggregate classification.

Literature cited by the submitters: PubMed 27666369 (cited by Labcorp Genetics (formerly Invitae), Labcorp); PubMed 34134906 (cited by Labcorp Genetics (formerly Invitae), Labcorp); PubMed 34356170 (cited by Labcorp Genetics (formerly Invitae), Labcorp).